The following is an entry in ClinVar:

ClinVar aggregate classification (germline): Uncertain significance. Review status: criteria provided, multiple submitters, no conflicts (2 of 4 stars). 2 submissions from 2 submitters: Uncertain significance (2). Last evaluated 2025-11-09.

gnomAD v4.1: 5 of 1,613,962 alleles (0.00031%); highest among the groups gnomAD compares: African/African-American, 0.0067%; no homozygotes.

Submissions (2):

Labcorp Genetics (formerly Invitae), Labcorp
Classification: Uncertain significance. Last evaluated: 2025-11-09. Review status: criteria provided, single submitter. Criteria: Invitae Variant Classification Sherloc (09022015). Collection method: clinical testing. Allele origin: germline.
Comment: This sequence change replaces asparagine, which is neutral and polar, with serine, which is neutral and polar, at codon 274 of the TAB2 protein (p.Asn274Ser). The frequency data for this variant in the population databases is considered unreliable, as metrics indicate poor data quality at this position in the gnomAD database. This variant has not been reported in the literature in individuals affected with TAB2-related conditions. Invitae Evidence Modeling of protein sequence and biophysical properties (such as structural, functional, and spatial information, amino acid conservation, physicochemical variation, residue mobility, and thermodynamic stability) indicates that this missense variant is not expected to disrupt TAB2 protein function with a negative predictive value of 80%. In summary, the available evidence is currently insufficient to determine the role of this variant in disease. Therefore, it has been classified as a Variant of Uncertain Significance.

Blueprint Genetics
Classification: Uncertain significance. Last evaluated: 2024-09-04. Review status: criteria provided, single submitter. Criteria: ACMG Guidelines, 2015. Collection method: clinical testing. Allele origin: germline.

NM_001292034.3(TAB2):c.821A>G (p.Asn274Ser)

Genes: TAB2 (TGF-beta activated kinase 1 (MAP3K7) binding protein 2; plus strand), LOC126859827 (BRD4-independent group 4 enhancer GRCh37_chr6:149699707-149700906; plus strand). Cytogenetic location: 6q25.1.
Variant type: single nucleotide variant.
Coding change: c.821A>G on transcript NM_001292034.3 (MANE Select); coding-DNA position 821, A replaced by G.
Protein change: p.Asn274Ser; replaces asparagine 274 with serine.
Molecular consequence: missense variant.
Genome position (GRCh38, 1-based): chr6:149,378,736, A>G. VCF-style: chr6-149378736-A-G. GRCh37 (hg19) VCF-style: chr6-149699872-A-G.
Other names: c.725A>G, p.Asn242Ser (NM_001292035.3); c.821A>G, p.Asn274Ser (NM_001369506.1, NM_015093.6); short protein forms N242S, N274S.
Identifiers: ClinVar variation 4694890 (VCV004694890.2).
Genomic context (GRCh38, chr6:149,378,736, plus strand): 5'-GTCCCTGGACTACTTGTCCTGCATCTAATCCTCTGTCACATACCTCATCTCAACAGCCAA[A>G]TCAGCAAGGCCACCAGACCTCTCATGTCTACATGCCAATCAGTTCACCTACTACTTCACA-3'
Protein context (NP_001278963.1, residues 264-284): PLSHTSSQQP[Asn274Ser]QQGHQTSHVY